The following is an entry in ClinVar:

ClinVar aggregate classification (germline): Uncertain significance (1 of 4 stars; one submission).

Submission:

GeneDx
Classification: Uncertain significance. Last evaluated: 2019-10-04. Review status: criteria provided, single submitter. Criteria: GeneDx Variant Classification Process June 2021. Collection method: clinical testing. Allele origin: germline. Affected: yes.
Comment: Not observed in large population cohorts (Lek et al., 2016); In silico analysis, which includes protein predictors and evolutionary conservation, supports that this variant does not alter protein structure/function; Has not been previously published as pathogenic or benign to our knowledge

NM_014795.4(ZEB2):c.2792T>G (p.Phe931Cys)

Gene: ZEB2 (zinc finger E-box binding homeobox 2; minus strand). Cytogenetic location: 2q22.3.
Variant type: single nucleotide variant.
Coding change: c.2792T>G on transcript NM_014795.4 (MANE Select); coding-DNA position 2792, T replaced by G.
Protein change: p.Phe931Cys; replaces phenylalanine 931 with cysteine.
Molecular consequence: missense variant.
Genome position (GRCh38, 1-based): chr2:144,398,395, A>C on the plus strand (T>G on the coding strand, the complement: ZEB2 is on the minus strand). VCF-style: chr2-144398395-A-C. GRCh37 (hg19) VCF-style: chr2-145155962-A-C.
Other names: c.2720T>G, p.Phe907Cys (NM_001171653.2); short protein forms F907C, F931C.
Identifiers: ClinVar variation 1309081 (VCV001309081.2), dbSNP rs2149876375, ClinGen allele CA348706918.